The following is an entry in ClinVar:

NM_002439.5(MSH3):c.2341C>T (p.His781Tyr)

Gene: MSH3 (mutS homolog 3; plus strand). Cytogenetic location: 5q14.1.
Variant type: single nucleotide variant.
Coding change: c.2341C>T on transcript NM_002439.5 (MANE Select); coding-DNA position 2341, C replaced by T.
Protein change: p.His781Tyr; replaces histidine 781 with tyrosine.
Molecular consequence: missense variant.
Genome position (GRCh38, 1-based): chr5:80,778,742, C>T. VCF-style: chr5-80778742-C-T. GRCh37 (hg19) VCF-style: chr5-80074561-C-T.
Other names: short protein forms H781Y.
Identifiers: ClinVar variation 644160 (VCV000644160.14), dbSNP rs1006511779, ClinGen allele CA121328123.

ClinVar aggregate classification (germline): Uncertain significance. Review status: criteria provided, multiple submitters, no conflicts (2 of 4 stars). 5 submissions from 5 submitters: Uncertain significance (4). 1 of the submissions does not count toward it. Last evaluated 2025-10-29.

Conditions:
MSH3-related disorder. Also called: MSH3-related condition.
Hereditary cancer-predisposing syndrome. Also called: Tumor predisposition; Neoplastic Syndromes, Hereditary; Hereditary Cancer Syndrome; Hereditary neoplastic syndrome. Identifiers: Orphanet 140162, MedGen C0027672, MeSH D009386, MONDO:0015356.
Endometrial carcinoma. Also called: Endometrial carcinoma, somatic. Identifiers: MedGen C0476089, MONDO:0002447, OMIM 608089, HP:0012114.
Familial adenomatous polyposis 4 (FAP4). Also called: MSH3-related attenuated familial adenomatous polyposis. Identifiers: Orphanet 480536, MedGen C4310719, MONDO:0044300, OMIM 617100.

Allele frequency attached by ClinVar (database versions not stated): TOPMed below 0.00001; gnomAD 0.00001; gnomAD exomes 0.00001.
gnomAD v4.1: 26 of 1,611,398 alleles (0.0016%); highest among the groups gnomAD compares: Non-Finnish European, 0.0018%; no homozygotes.

Submissions (5):

Labcorp Genetics (formerly Invitae), Labcorp
Classification: Uncertain significance. Last evaluated: 2025-10-29. Review status: criteria provided, single submitter. Criteria: Invitae Variant Classification Sherloc (09022015). Collection method: clinical testing. Allele origin: germline.
Comment: This sequence change replaces histidine, which is basic and polar, with tyrosine, which is neutral and polar, at codon 781 of the MSH3 protein (p.His781Tyr). This variant is present in population databases (no rsID available, gnomAD 0.004%). This variant has not been reported in the literature in individuals affected with MSH3-related conditions. ClinVar contains an entry for this variant (Variation ID: 644160). An algorithm developed to predict the effect of missense changes on protein structure and function (PolyPhen-2) suggests that this variant is likely to be disruptive. In summary, the available evidence is currently insufficient to determine the role of this variant in disease. Therefore, it has been classified as a Variant of Uncertain Significance.

Ambry Genetics
Classification: Uncertain significance for Hereditary cancer-predisposing syndrome. Last evaluated: 2025-01-03. Review status: criteria provided, single submitter. Criteria: Ambry Variant Classification Scheme 2023. Collection method: clinical testing. Allele origin: germline.
Comment: The p.H781Y variant (also known as c.2341C>T), located in coding exon 17 of the MSH3 gene, results from a C to T substitution at nucleotide position 2341. The histidine at codon 781 is replaced by tyrosine, an amino acid with similar properties. This amino acid position is well conserved in available vertebrate species. In addition, the in silico prediction for this alteration is inconclusive. Since supporting evidence is limited at this time, the clinical significance of this alteration remains unclear.

Blueprint Genetics
Classification: Uncertain significance. Last evaluated: 2024-11-11. Review status: criteria provided, single submitter. Criteria: ACMG Guidelines, 2015. Collection method: clinical testing. Allele origin: germline.

Fulgent Genetics
Classification: Uncertain significance for Endometrial carcinoma; Familial adenomatous polyposis 4. Last evaluated: 2024-05-01. Review status: criteria provided, single submitter. Criteria: ACMG Guidelines, 2015. Collection method: clinical testing. Allele origin: germline.

PreventionGenetics, part of Exact Sciences
Classification: Uncertain significance for MSH3-related condition. Last evaluated: 2024-07-29. Review status: no assertion criteria provided. Collection method: clinical testing. Allele origin: germline. Not counted in ClinVar's aggregate classification.
Comment: The MSH3 c.2341C>T variant is predicted to result in the amino acid substitution p.His781Tyr. This variant has been reported in a patient presenting with Langerhans cell histiocytosis; however, the clinical significance of the MSH3 c.2341C>T variant was not determined, and this patient was found to have other known oncogenic variants (Zhang et al. 2022. PubMed ID: 36064398). This variant is reported in 0.0046% of alleles in individuals of European (Finnish) descent in gnomAD, and is classified as a variant of uncertain significance in ClinVar. At this time, the clinical significance of this variant is uncertain due to the absence of conclusive functional and genetic evidence.